The following is an entry in ClinVar:

ClinVar aggregate classification (germline): Pathogenic (1 of 4 stars; one submission).

Conditions:
Leber congenital amaurosis 7 (LCA7). Identifiers: Orphanet 65, MedGen C3151192, MONDO:0013449, OMIM 613829.
Cone-rod dystrophy 2 (CORD2). Also called: CONE-ROD RETINAL DYSTROPHY; Cone-rod retinal dystrophy 2. Identifiers: Orphanet 1872, MedGen C3489532, MONDO:0007362, OMIM 120970.

Submission:

Labcorp Genetics (formerly Invitae), Labcorp
Classification: Pathogenic for Cone-rod dystrophy 2; Leber congenital amaurosis 7. Last evaluated: 2024-04-07. Review status: criteria provided, single submitter. Criteria: Invitae Variant Classification Sherloc (09022015). Collection method: clinical testing. Allele origin: germline.
Comment: This sequence change results in a frameshift in the CRX gene (p.Gly231Alafs*132). While this is not anticipated to result in nonsense mediated decay, it is expected to disrupt the last 69 amino acid(s) of the CRX protein and extend the protein by 62 additional amino acid residues. This variant is not present in population databases (gnomAD no frequency). This variant has not been reported in the literature in individuals affected with CRX-related conditions. This variant disrupts a region of the CRX protein in which other variant(s) (p.Tyr258*) have been determined to be pathogenic (PMID: 22968130, 25270190). This suggests that this is a clinically significant region of the protein, and that variants that disrupt it are likely to be disease-causing. For these reasons, this variant has been classified as Pathogenic.

Literature cited by the submitters: PubMed 22968130; PubMed 25270190.

NM_000554.6(CRX):c.692_716del (p.Gly231fs)

Gene: CRX (cone-rod homeobox; plus strand). Cytogenetic location: 19q13.33.
Variant type: Deletion.
Coding change: c.692_716del on transcript NM_000554.6 (MANE Select); coding-DNA positions 692 to 716, 25 bases deleted (GCCCGGCTCTTAGCCCCCTCTCTGG).
Protein change: p.Gly231fs; shifts the reading frame from glycine 231.
Molecular consequence: frameshift variant.
Genome position (GRCh38, 1-based): chr19:47,839,759-47,839,783, GCCCGGCTCTTAGCCCCCTCTCTGG deleted; deleting any 25 consecutive bases within chr19:47,839,757-47,839,783 gives the same sequence; the c. name uses the placement nearest the transcript's 3' end. VCF-style (leftmost placement, unchanged base first): chr19-47839756-GGGGCCCGGCTCTTAGCCCCCTCTCT-G. GRCh37 (hg19) VCF-style: chr19-48343013-GGGGCCCGGCTCTTAGCCCCCTCTCT-G.
Other names: short protein forms G231fs.
Identifiers: ClinVar variation 2922274 (VCV002922274.3), dbSNP rs2514256563, ClinGen allele CA2740096951.